The following is an entry in ClinVar:

ClinVar aggregate classification (germline): Uncertain significance (1 of 4 stars; one submission).

Allele frequency attached by ClinVar (database versions not stated): gnomAD exomes below 0.00001 and 0.00001; ExAC 0.00001; TOPMed 0.00002.

Submission:

Labcorp Genetics (formerly Invitae), Labcorp
Classification: Uncertain significance. Last evaluated: 2022-09-01. Review status: criteria provided, single submitter. Criteria: Invitae Variant Classification Sherloc (09022015). Collection method: clinical testing. Allele origin: germline.
Comment: This sequence change replaces proline, which is neutral and non-polar, with histidine, which is basic and polar, at codon 1352 of the LAMC3 protein (p.Pro1352His). This variant is present in population databases (rs768475881, gnomAD 0.002%). This variant has not been reported in the literature in individuals affected with LAMC3-related conditions. ClinVar contains an entry for this variant (Variation ID: 1381969). Algorithms developed to predict the effect of missense changes on protein structure and function are either unavailable or do not agree on the potential impact of this missense change (SIFT: "Deleterious"; PolyPhen-2: "Possibly Damaging"; Align-GVGD: "Class C0"). In summary, the available evidence is currently insufficient to determine the role of this variant in disease. Therefore, it has been classified as a Variant of Uncertain Significance.

NM_006059.4(LAMC3):c.4055C>A (p.Pro1352His)

Gene: LAMC3 (laminin subunit gamma 3; plus strand). Cytogenetic location: 9q34.12.
Variant type: single nucleotide variant.
Coding change: c.4055C>A on transcript NM_006059.4 (MANE Select); coding-DNA position 4055, C replaced by A.
Protein change: p.Pro1352His; replaces proline 1352 with histidine.
Molecular consequence: missense variant.
Genome position (GRCh38, 1-based): chr9:131,085,548, C>A. VCF-style: chr9-131085548-C-A. GRCh37 (hg19) VCF-style: chr9-133960935-C-A.
Other names: short protein forms P1352H.
Identifiers: ClinVar variation 1381969 (VCV001381969.5), dbSNP rs768475881, ClinGen allele CA5288043.